The following is an entry in ClinVar:

NM_003737.4(DCHS1):c.1679C>T (p.Ser560Phe)

Gene: DCHS1 (dachsous cadherin-related 1; minus strand). Cytogenetic location: 11p15.4.
Variant type: single nucleotide variant.
Coding change: c.1679C>T on transcript NM_003737.4 (MANE Select); coding-DNA position 1679, C replaced by T.
Protein change: p.Ser560Phe; replaces serine 560 with phenylalanine.
Molecular consequence: missense variant.
Genome position (GRCh38, 1-based): chr11:6,639,935, G>A on the plus strand (C>T on the coding strand, the complement: DCHS1 is on the minus strand). VCF-style: chr11-6639935-G-A. GRCh37 (hg19) VCF-style: chr11-6661166-G-A.
Other names: c.1679C>T (NM_003737.2); short protein forms S560F.
Identifiers: ClinVar variation 598956 (VCV000598956.16), dbSNP rs143753116, ClinGen allele CA5860914.

ClinVar aggregate classification (germline): Conflicting classifications of pathogenicity. Review status: criteria provided, conflicting classifications (1 of 4 stars). 5 submissions from 5 submitters: Uncertain significance (2); Benign (1); Likely benign (2). Last evaluated 2026-06-01.

Conditions:
Inborn genetic diseases. Identifiers: MedGen C0950123, MeSH D030342.

Allele frequency attached by ClinVar (database versions not stated): gnomAD exomes 0.00017 and 0.00038; gnomAD 0.00019 and 0.00020; TOPMed 0.00027; ExAC 0.00029; ESP Exome Variant Server 0.00031.
gnomAD v4.1: 310 of 1,613,938 alleles (0.019%); highest among the groups gnomAD compares: Admixed American, 0.038%; 2 homozygotes.

Submissions (5):

CeGaT Center for Human Genetics Tuebingen
Classification: Likely benign. Last evaluated: 2026-06-01. Review status: criteria provided, single submitter. Criteria: CeGaT Center For Human Genetics Tuebingen Variant Classification Criteria Version 2. Collection method: clinical testing. Allele origin: germline. Affected: yes. Observed: 1 variant allele.
Comment: DCHS1: BS2

Labcorp Genetics (formerly Invitae), Labcorp
Classification: Benign. Last evaluated: 2025-12-05. Review status: criteria provided, single submitter. Criteria: Invitae Variant Classification Sherloc (09022015). Collection method: clinical testing. Allele origin: germline.

GeneDx
Classification: Uncertain significance. Last evaluated: 2025-04-11. Review status: criteria provided, single submitter. Criteria: GeneDx Variant Classification Process June 2021. Collection method: clinical testing. Allele origin: germline. Affected: yes.
Comment: Reported previously as a paternally inherited variant of uncertain significance in a patient with relative macrocephaly, global developmental delay, generalized hypotonia, hypopigmented skin patches, joint hypermobility, and brain abnormalities (PMID: 30755392); In silico analysis supports that this missense variant has a deleterious effect on protein structure/function; This variant is associated with the following publications: (PMID: 30755392)

Ambry Genetics
Classification: Likely benign for Inborn genetic diseases. Last evaluated: 2022-05-04. Review status: criteria provided, single submitter. Criteria: Ambry Variant Classification Scheme 2023. Collection method: clinical testing. Allele origin: germline.

Center for Personalized Medicine, Children's Hospital Los Angeles
Classification: Uncertain significance. Last evaluated: 2018-11-19. Review status: criteria provided, single submitter. Criteria: ACMG Guidelines, 2015. Collection method: clinical testing. Allele origin: germline. Affected: yes.

Literature cited by the submitters: PubMed 30755392 (cited by Ambry Genetics).